The following is an entry in ClinVar:

NM_016216.4(DBR1):c.151_158del (p.Cys51fs)

Genes: DBR1 (debranching RNA lariats 1; minus strand), LOC129937648 (ATAC-STARR-seq lymphoblastoid active region 20601; plus strand). Cytogenetic location: 3q22.3.
Variant type: Deletion.
Coding change: c.151_158del on transcript NM_016216.4 (MANE Select); coding-DNA positions 151 to 158, 8 bases deleted (TGCATGGC; older notation c.151_158delTGCATGGC).
Protein change: p.Cys51fs; shifts the reading frame from cysteine 51.
Molecular consequence: frameshift variant.
Genome position (GRCh38, 1-based): chr3:138,174,638-138,174,645, GCCATGCA deleted on the plus strand (TGCATGGC on the coding strand, the reverse complement: DBR1 is on the minus strand); deleting any 8 consecutive bases within chr3:138,174,638-138,174,647 gives the same sequence; the c. name uses the placement nearest the transcript's 3' end. VCF-style (leftmost placement, unchanged base first): chr3-138174637-GGCCATGCA-G. GRCh37 (hg19) VCF-style: chr3-137893479-GGCCATGCA-G.
Other names: short protein forms C51fs.
Identifiers: ClinVar variation 2119421 (VCV002119421.3), dbSNP rs2472974988, ClinGen allele CA2580068833.
Genomic context (GRCh38, chr3:138,174,637, plus strand): 5'-CCGGGCCCGGCCGCGTCCTCACCTGTAGAAGGTTTGCATGTGACGATACTTGGGCGGCAC[GGCCATGCA>G]GCGTAGATCCGCCTCGTTGCGCACCGCCTGGAAGTCGCCGCAGCACAGCAAGAGGTCGAC-3'

ClinVar aggregate classification (germline): Uncertain significance (1 of 4 stars; one submission).

Submission:

Labcorp Genetics (formerly Invitae), Labcorp
Classification: Uncertain significance. Last evaluated: 2024-11-05. Review status: criteria provided, single submitter. Criteria: Invitae Variant Classification Sherloc (09022015). Collection method: clinical testing. Allele origin: germline.
Comment: This sequence change creates a premature translational stop signal (p.Cys51Argfs*33) in the DBR1 gene. It is expected to result in an absent or disrupted protein product. However, the current clinical and genetic evidence is not sufficient to establish whether loss-of-function variants in DBR1 cause disease. This variant is not present in population databases (gnomAD no frequency). This variant has not been reported in the literature in individuals affected with DBR1-related conditions. ClinVar contains an entry for this variant (Variation ID: 2119421). In summary, the available evidence is currently insufficient to determine the role of this variant in disease. Therefore, it has been classified as a Variant of Uncertain Significance.